The following is an entry in ClinVar:

ClinVar aggregate classification (germline): not provided (0 of 4 stars; one submission).

Allele frequency attached by ClinVar (database versions not stated): gnomAD 0.00001.
gnomAD v4.1: 3 of 1,614,214 alleles (0.00019%); highest among the groups gnomAD compares: African/African-American, 0.004%; no homozygotes.

Submission:

Human Evolutionary Genetics, Institut Pasteur
No classification provided. Review status: no classification provided. Collection method: not provided. Allele origin: germline.
ClinVar note: Converted during submission from untested to not provided.

NM_000246.4(CIITA):c.580G>A (p.Glu194Lys)

Gene: CIITA (class II major histocompatibility complex transactivator; plus strand). Cytogenetic location: 16p13.13.
Variant type: single nucleotide variant.
Coding change: c.580G>A on transcript NM_000246.4 (MANE Select); coding-DNA position 580, G replaced by A.
Protein change: p.Glu194Lys; replaces glutamic acid 194 with lysine.
Molecular consequence: missense variant. On other transcripts: non-coding transcript variant (1), intron variant (3).
Genome position (GRCh38, 1-based): chr16:10,902,136, G>A. VCF-style: chr16-10902136-G-A. GRCh37 (hg19) VCF-style: chr16-10995993-G-A.
Other names: c.583G>A, p.Glu195Lys (NM_001286402.1, NM_001379332.1); c.580G>A, p.Glu194Lys (NM_001379333.1); c.511G>A, p.Glu171Lys (NM_001379334.1); c.485-522G>A (NM_001379330.1); c.482-522G>A (NM_001379331.1, NM_001286403.2); short protein forms E194K, E195K, E171K.
Identifiers: ClinVar variation 103011 (VCV000103011.2), dbSNP rs199476065, ClinGen allele CA229989.